The following is an entry in ClinVar:

NM_000152.5(GAA):c.637T>C (p.Phe213Leu)

Gene: GAA (alpha glucosidase; plus strand). Cytogenetic location: 17q25.3.
Variant type: single nucleotide variant.
Coding change: c.637T>C on transcript NM_000152.5 (MANE Select); coding-DNA position 637, T replaced by C.
Protein change: p.Phe213Leu; replaces phenylalanine 213 with leucine.
Molecular consequence: missense variant.
Genome position (GRCh38, 1-based): chr17:80,105,839, T>C. VCF-style: chr17-80105839-T-C. GRCh37 (hg19) VCF-style: chr17-78079638-T-C.
Other names: c.637T>C, p.Phe213Leu (NM_001079803.3, NM_001079804.3, NM_001406741.1 and 1 more transcripts); short protein forms F213L.
Identifiers: ClinVar variation 2002508 (VCV002002508.4), dbSNP rs2510350592, ClinGen allele CA401362392.
Genomic context (GRCh38, chr17:80,105,839, plus strand): 5'-GTGCCCTTGGAGACCCCGCATGTCCACAGCCGGGCACCGTCCCCACTCTACAGCGTGGAG[T>C]TCTCCGAGGAGCCCTTCGGGGTGATCGTGCGCCGGCAGCTGGACGGCCGCGTGCTGTGAG-3'
Protein context (NP_000143.2, residues 203-223): RAPSPLYSVE[Phe213Leu]SEEPFGVIVR

ClinVar aggregate classification (germline): Uncertain significance (1 of 4 stars; one submission).

Conditions:
Glycogen storage disease, type II (IOPD). Also called: Glucosidase acid-1,4-alpha deficiency; Pompe Disease; POMPE DISEASE, INFANTILE-ONSET; GLYCOGEN STORAGE DISEASE II, INFANTILE-ONSET; ACID ALPHA-GLUCOSIDASE DEFICIENCY, INFANTILE-ONSET; GAA DEFICIENCY, INFANTILE-ONSET. Identifiers: Orphanet 365, MedGen C0017921, MONDO:0009290, OMIM 232300.

Submission:

Labcorp Genetics (formerly Invitae), Labcorp
Classification: Uncertain significance for Glycogen storage disease, type II. Last evaluated: 2022-06-13. Review status: criteria provided, single submitter. Criteria: Invitae Variant Classification Sherloc (09022015). Collection method: clinical testing. Allele origin: germline.
Comment: In summary, the available evidence is currently insufficient to determine the role of this variant in disease. Therefore, it has been classified as a Variant of Uncertain Significance. Advanced modeling of protein sequence and biophysical properties (such as structural, functional, and spatial information, amino acid conservation, physicochemical variation, residue mobility, and thermodynamic stability) performed at Invitae indicates that this missense variant is not expected to disrupt GAA protein function. This variant has not been reported in the literature in individuals affected with GAA-related conditions. This variant is not present in population databases (gnomAD no frequency). This sequence change replaces phenylalanine, which is neutral and non-polar, with leucine, which is neutral and non-polar, at codon 213 of the GAA protein (p.Phe213Leu).